The following is an entry in ClinVar:

ClinVar aggregate classification (germline): Conflicting classifications of pathogenicity. Review status: criteria provided, conflicting classifications (1 of 4 stars). 2 submissions from 2 submitters: Uncertain significance (1); Likely benign (1). Last evaluated 2025-10-26.

Allele frequency attached by ClinVar (database versions not stated): ExAC 0.00005; gnomAD exomes 0.00008 and 0.00018; 1000 Genomes Project 30x 0.00016; gnomAD 0.00018 and 0.00019; 1000 Genomes Project 0.00020; TOPMed 0.00020; ESP Exome Variant Server 0.00031.
gnomAD v4.1: 283 of 1,609,838 alleles (0.018%); highest among the groups gnomAD compares: Non-Finnish European, 0.022%; no homozygotes.

Submissions (2):

Labcorp Genetics (formerly Invitae), Labcorp
Classification: Uncertain significance. Last evaluated: 2025-10-26. Review status: criteria provided, single submitter. Criteria: Invitae Variant Classification Sherloc (09022015). Collection method: clinical testing. Allele origin: germline.
Comment: This sequence change replaces threonine, which is neutral and polar, with isoleucine, which is neutral and non-polar, at codon 515 of the DDX58 protein (p.Thr515Ile). This variant is present in population databases (rs139600630, gnomAD 0.02%). This variant has not been reported in the literature in individuals affected with DDX58-related conditions. ClinVar contains an entry for this variant (Variation ID: 1464745). Invitae Evidence Modeling of protein sequence and biophysical properties (such as structural, functional, and spatial information, amino acid conservation, physicochemical variation, residue mobility, and thermodynamic stability) indicates that this missense variant is not expected to disrupt DDX58 protein function with a negative predictive value of 80%. Algorithms developed to predict the effect of sequence changes on RNA splicing suggest that this variant may disrupt the consensus splice site. In summary, the available evidence is currently insufficient to determine the role of this variant in disease. Therefore, it has been classified as a Variant of Uncertain Significance.

Blueprint Genetics
Classification: Likely benign. Last evaluated: 2022-08-12. Review status: criteria provided, single submitter. Criteria: ACMG Guidelines, 2015. Collection method: clinical testing. Allele origin: germline.

NM_014314.4(RIGI):c.1544C>T (p.Thr515Ile)

Gene: RIGI (RNA sensor RIG-I; minus strand). Cytogenetic location: 9p21.1.
Variant type: single nucleotide variant.
Coding change: c.1544C>T on transcript NM_014314.4 (MANE Select); coding-DNA position 1544, C replaced by T.
Protein change: p.Thr515Ile; replaces threonine 515 with isoleucine.
Molecular consequence: missense variant.
Genome position (GRCh38, 1-based): chr9:32,481,434, G>A on the plus strand (C>T on the coding strand, the complement: RIGI is on the minus strand). VCF-style: chr9-32481434-G-A. GRCh37 (hg19) VCF-style: chr9-32481432-G-A.
Other names: c.1538C>T, p.Thr513Ile (NM_001385907.1); c.1544C>T, p.Thr515Ile (NM_001385909.1); c.1103C>T, p.Thr368Ile (NM_001385910.1); c.935C>T, p.Thr312Ile (NM_001385912.1); c.1529C>T, p.Thr510Ile (NM_001385913.1); c.1100C>T, p.Thr367Ile (NM_001385914.1); short protein forms T312I, T367I, T515I, T513I, T368I, T510I.
Identifiers: ClinVar variation 1464745 (VCV001464745.7), dbSNP rs139600630, ClinGen allele CA5019761.